The following is an entry in ClinVar:

NM_020066.5(FMN2):c.153G>A (p.Gly51=)

Gene: FMN2 (formin 2; plus strand). Cytogenetic location: 1q43.
Variant type: single nucleotide variant.
Coding change: c.153G>A on transcript NM_020066.5 (MANE Select); coding-DNA position 153, G replaced by A.
Protein change: p.Gly51=; no amino-acid change (glycine 51 retained).
Molecular consequence: synonymous variant.
Genome position (GRCh38, 1-based): chr1:240,092,262, G>A. VCF-style: chr1-240092262-G-A. GRCh37 (hg19) VCF-style: chr1-240255562-G-A.
Other names: c.153G>A, p.Gly51= (NM_001305424.2, NM_001348094.2).
Identifiers: ClinVar variation 3057805 (VCV003057805.2), dbSNP rs1480838856, ClinGen allele CA424394085.

ClinVar aggregate classification (germline): Likely benign (0 of 4 stars; one submission).

Conditions:
FMN2-related disorder. Also called: FMN2-related condition.

Allele frequency attached by ClinVar (database versions not stated): TOPMed below 0.00001.

Submission:

PreventionGenetics, part of Exact Sciences
Classification: Likely benign for FMN2-related condition. Last evaluated: 2023-10-13. Review status: no assertion criteria provided. Collection method: clinical testing. Allele origin: germline.
Comment: This variant is classified as likely benign based on ACMG/AMP sequence variant interpretation guidelines (Richards et al. 2015 PMID: 25741868, with internal and published modifications).